The following is an entry in ClinVar:

NM_015466.4(PTPN23):c.4858T>A (p.Ser1620Thr)

Gene: PTPN23 (protein tyrosine phosphatase non-receptor type 23; plus strand). Cytogenetic location: 3p21.31.
Variant type: single nucleotide variant.
Coding change: c.4858T>A on transcript NM_015466.4 (MANE Select); coding-DNA position 4858, T replaced by A.
Protein change: p.Ser1620Thr; replaces serine 1620 with threonine.
Molecular consequence: missense variant.
Genome position (GRCh38, 1-based): chr3:47,413,132, T>A. VCF-style: chr3-47413132-T-A. GRCh37 (hg19) VCF-style: chr3-47454622-T-A.
Other names: c.4480T>A, p.Ser1494Thr (NM_001304482.2); c.4858T>A (NM_015466.2); short protein forms S1620T, S1494T.
Identifiers: ClinVar variation 1490912 (VCV001490912.7), dbSNP rs778980318, ClinGen allele CA2366730.

ClinVar aggregate classification (germline): Conflicting classifications of pathogenicity. Review status: criteria provided, conflicting classifications (1 of 4 stars). 2 submissions from 2 submitters: Uncertain significance (1); Likely benign (1). Last evaluated 2025-12-02.

Conditions:
Inborn genetic diseases. Identifiers: MedGen C0950123, MeSH D030342.

Allele frequency attached by ClinVar (database versions not stated): ExAC 0.00004; gnomAD exomes 0.00004.
gnomAD v4.1: 48 of 1,612,704 alleles (0.003%); highest among the groups gnomAD compares: Admixed American, 0.005%; no homozygotes.

Submissions (2):

Ambry Genetics
Classification: Likely benign for Inborn genetic diseases. Last evaluated: 2025-12-02. Review status: criteria provided, single submitter. Criteria: Ambry Variant Classification Scheme 2023. Collection method: clinical testing. Allele origin: germline.

Labcorp Genetics (formerly Invitae), Labcorp
Classification: Uncertain significance. Last evaluated: 2022-07-14. Review status: criteria provided, single submitter. Criteria: Invitae Variant Classification Sherloc (09022015). Collection method: clinical testing. Allele origin: germline.
Comment: In summary, the available evidence is currently insufficient to determine the role of this variant in disease. Therefore, it has been classified as a Variant of Uncertain Significance. Algorithms developed to predict the effect of missense changes on protein structure and function output the following: SIFT: "Tolerated"; PolyPhen-2: "Not Available"; Align-GVGD: "Class C0". The threonine amino acid residue is found in multiple mammalian species, which suggests that this missense change does not adversely affect protein function. ClinVar contains an entry for this variant (Variation ID: 1490912). This variant has not been reported in the literature in individuals affected with PTPN23-related conditions. This variant is present in population databases (rs778980318, gnomAD 0.009%). This sequence change replaces serine, which is neutral and polar, with threonine, which is neutral and polar, at codon 1620 of the PTPN23 protein (p.Ser1620Thr).